The following is an entry in ClinVar:

ClinVar aggregate classification (germline): Likely benign (1 of 4 stars; one submission).

Allele frequency attached by ClinVar (database versions not stated): TOPMed 0.00031; 1000 Genomes Project 0.00040; 1000 Genomes Project 30x 0.00078.

Submission:

CeGaT Center for Human Genetics Tuebingen
Classification: Likely benign. Last evaluated: 2026-07-01. Review status: criteria provided, single submitter. Criteria: CeGaT Center For Human Genetics Tuebingen Variant Classification Criteria Version 2. Collection method: clinical testing. Allele origin: germline. Affected: yes. Observed: 2 variant alleles.
Comment: HERC2: BP4, BP7

NM_004667.6(HERC2):c.7122G>A (p.Pro2374=)

Gene: HERC2 (HECT and RLD domain containing E3 ubiquitin protein ligase 2; minus strand). Cytogenetic location: 15q13.1.
Variant type: single nucleotide variant.
Coding change: c.7122G>A on transcript NM_004667.6 (MANE Select); coding-DNA position 7122, G replaced by A.
Protein change: p.Pro2374=; no amino-acid change (proline 2374 retained).
Molecular consequence: synonymous variant.
Genome position (GRCh38, 1-based): chr15:28,206,330, C>T on the plus strand (G>A on the coding strand, the complement: HERC2 is on the minus strand). VCF-style: chr15-28206330-C-T. GRCh37 (hg19) VCF-style: chr15-28451476-C-T.
Identifiers: ClinVar variation 2645062 (VCV002645062.24), dbSNP rs529205569, ClinGen allele CA267946155.